The following is an entry in ClinVar:

ClinVar aggregate classification (germline): Likely benign (1 of 4 stars; one submission).

Allele frequency attached by ClinVar (database versions not stated): ESP Exome Variant Server 0.00008; gnomAD 0.00012; ExAC 0.00014; TOPMed 0.00015; gnomAD exomes 0.00024.
gnomAD v4.1: 376 of 1,600,406 alleles (0.023%); highest among the groups gnomAD compares: Middle Eastern, 0.18%; no homozygotes.

Submission:

CeGaT Center for Human Genetics Tuebingen
Classification: Likely benign. Last evaluated: 2023-02-01. Review status: criteria provided, single submitter. Criteria: CeGaT Center For Human Genetics Tuebingen Variant Classification Criteria Version 2. Collection method: clinical testing. Allele origin: germline. Affected: yes. Observed: 1 variant allele.
Comment: ASTN1: BP4

NM_004319.3(ASTN1):c.2671+6T>C

Gene: ASTN1 (astrotactin 1; minus strand). Cytogenetic location: 1q25.2.
Variant type: single nucleotide variant.
Coding change: c.2671+6T>C on transcript NM_004319.3 (MANE Select); 6 bases into the intron after coding-DNA position 2671, T replaced by C.
Molecular consequence: intron variant.
Genome position (GRCh38, 1-based): chr1:176,934,146, A>G on the plus strand (T>C on the coding strand, the complement: ASTN1 is on the minus strand). VCF-style: chr1-176934146-A-G. GRCh37 (hg19) VCF-style: chr1-176903282-A-G.
Other names: c.2671+6T>C (NM_001286164.2, NM_207108.3); c.2695+6T>C (NM_001364856.2).
Identifiers: ClinVar variation 2639587 (VCV002639587.24), dbSNP rs376533414, ClinGen allele CA1258802.